The following is an entry in ClinVar:

NM_000059.4(BRCA2):c.5968_5969del (p.Asp1990fs)

Gene: BRCA2 (BRCA2 DNA repair associated; plus strand). Cytogenetic location: 13q13.1.
Variant type: Deletion.
Coding change: c.5968_5969del on transcript NM_000059.4 (MANE Select); coding-DNA positions 5968 to 5969, 2 bases deleted (GA; older notation c.5968_5969delGA).
Protein change: p.Asp1990fs; shifts the reading frame from aspartic acid 1990.
Molecular consequence: frameshift variant.
Genome position (GRCh38, 1-based): chr13:32,340,323-32,340,324, GA deleted; deleting any 2 consecutive bases within chr13:32,340,322-32,340,324 gives the same sequence; the c. name uses the placement nearest the transcript's 3' end. VCF-style (leftmost placement, unchanged base first): chr13-32340321-CAG-C. GRCh37 (hg19) VCF-style: chr13-32914458-CAG-C.
Other names: 6196delGA; c.5968_5969delGA (NM_000059.3).
Identifiers: ClinVar variation 51977 (VCV000051977.11), dbSNP rs80359552, ClinGen allele CA023431.

ClinVar aggregate classification (germline): Pathogenic. Review status: reviewed by expert panel (3 of 4 stars). 6 submissions from 6 submitters: Pathogenic (1). 5 of the submissions do not count toward it. Last evaluated 2016-09-08.

Conditions:
Hereditary breast ovarian cancer syndrome. Also called: Hereditary breast and ovarian cancer syndrome; Hereditary breast and ovarian cancer; Hereditary breast and ovarian cancer syndrome (HBOC); Breast and ovarian cancer; Hereditary breast and/or ovarian cancer syndrome; BRCA1- and BRCA2-Associated Hereditary Breast and Ovarian Cancer. Identifiers: Orphanet 145, MedGen C0677776, MeSH D061325, MONDO:0003582. Disease mechanism: loss of function.
Hereditary cancer-predisposing syndrome. Also called: Neoplastic Syndromes, Hereditary; Tumor predisposition; Hereditary neoplastic syndrome; Hereditary Cancer Syndrome. Identifiers: Orphanet 140162, MedGen C0027672, MeSH D009386, MONDO:0015356.
Breast-ovarian cancer, familial, susceptibility to, 2 (BROVCA2). Also called: BRCA2 Hereditary Breast and Ovarian Cancer. Identifiers: Orphanet 145, MedGen C2675520, MONDO:0012933, OMIM 612555. Disease mechanism: loss of function.

Submissions (6):

Evidence-based Network for the Interpretation of Germline Mutant Alleles (ENIGMA)
Classification: Pathogenic for Breast-ovarian cancer, familial, susceptibility to, 2. Last evaluated: 2016-09-08. Review status: reviewed by expert panel. Criteria: ENIGMA BRCA1/2 Classification Criteria (2015). Collection method: curation. Allele origin: germline.
Comment: Variant allele predicted to encode a truncated non-functional protein.

Labcorp Genetics (formerly Invitae), Labcorp
Classification: Pathogenic for Hereditary breast ovarian cancer syndrome. Last evaluated: 2022-11-01. Review status: criteria provided, single submitter. Criteria: Invitae Variant Classification Sherloc (09022015). Collection method: clinical testing. Allele origin: germline. Not counted in ClinVar's aggregate classification.
Comment: For these reasons, this variant has been classified as Pathogenic. ClinVar contains an entry for this variant (Variation ID: 51977). This variant has not been reported in the literature in individuals affected with BRCA2-related conditions. This variant is not present in population databases (gnomAD no frequency). This sequence change creates a premature translational stop signal (p.Asp1990Cysfs*12) in the BRCA2 gene. It is expected to result in an absent or disrupted protein product. Loss-of-function variants in BRCA2 are known to be pathogenic (PMID: 20104584).

Ambry Genetics
Classification: Pathogenic for Hereditary cancer-predisposing syndrome. Last evaluated: 2022-07-28. Review status: criteria provided, single submitter. Criteria: Ambry Variant Classification Scheme 2023. Collection method: clinical testing. Allele origin: germline. Not counted in ClinVar's aggregate classification.
Comment: The c.5968_5969delGA pathogenic mutation, located in coding exon 10 of the BRCA2 gene, results from a deletion of two nucleotides at nucleotide positions 5968 to 5969, causing a translational frameshift with a predicted alternate stop codon (p.D1990Cfs*12). This variant has been identified in at least one patient with a personal and family history of breast and/or ovarian cancer (Maxwell KN et al. Am J Hum Genet, 2016 May;98:801-817). This variant is considered to be rare based on population cohorts in the Genome Aggregation Database (gnomAD). In addition to the clinical data presented in the literature, this alteration is expected to result in loss of function by premature protein truncation or nonsense-mediated mRNA decay. As such, this alteration is interpreted as a disease-causing mutation.

Quest Diagnostics Nichols Institute San Juan Capistrano
Classification: Pathogenic for Breast-ovarian cancer, familial, susceptibility to, 2. Last evaluated: 2015-11-28. Review status: criteria provided, single submitter. Criteria: Quest Diagnostics criteria. Collection method: clinical testing. Allele origin: germline. Inheritance: Autosomal dominant inheritance. Not counted in ClinVar's aggregate classification.

GeneDx
Classification: Pathogenic. Last evaluated: 2015-05-11. Review status: criteria provided, single submitter. Criteria: GeneDx Variant Classification (06012015). Collection method: clinical testing. Allele origin: germline. Affected: yes. Not counted in ClinVar's aggregate classification.
Comment: This deletion of 2 nucleotides in BRCA2 is denoted c.5968_5969delGA at the cDNA level and p.Asp1990CysfsX12 (D1990CfsX12) at the protein level. The normal sequence, with the bases that are deleted in braces, is ATCA[GA]TGCT. The deletion causes a frameshift, which changes an Aspartic Acid to a Cysteine at codon 1990, and creates a premature stop codon at position 12 of the new reading frame. Although this variant has not, to our knowledge, been reported in the literature, it is predicted to cause loss of normal protein function through either protein truncation or nonsense-mediated mRNA decay. we consider this variant to be pathogenic.

Breast Cancer Information Core (BIC) (BRCA2)
Classification: Pathogenic for Breast-ovarian cancer, familial 2. Last evaluated: 1998-11-30. Review status: no assertion criteria provided. Collection method: clinical testing. Allele origin: germline. Affected: yes. Observed: 1 variant allele. Not counted in ClinVar's aggregate classification.

Literature cited by the submitters: PubMed 20104584 (cited by Labcorp Genetics (formerly Invitae), Labcorp); PubMed 27153395 (cited by Ambry Genetics); PubMed 26295337 (cited by Quest Diagnostics Nichols Institute San Juan Capistrano).